The following is an entry in ClinVar:

ClinVar aggregate classification (germline): Pathogenic (1 of 4 stars; one submission).

Conditions:
DOCK2 deficiency. Also called: Immunodeficiency 40. Identifiers: Orphanet 447737, MedGen C4225328, MONDO:0014637, OMIM 616433.

Submission:

Labcorp Genetics (formerly Invitae), Labcorp
Classification: Pathogenic for DOCK2 deficiency. Last evaluated: 2020-03-18. Review status: criteria provided, single submitter. Criteria: Invitae Variant Classification Sherloc (09022015). Collection method: clinical testing. Allele origin: germline.
Comment: This sequence change creates a premature translational stop signal (p.Gly616Alafs*6) in the DOCK2 gene. It is expected to result in an absent or disrupted protein product. This variant is not present in population databases (ExAC no frequency). This variant has not been reported in the literature in individuals with DOCK2-related conditions. Loss-of-function variants in DOCK2 are known to be pathogenic (PMID: 26083206). For these reasons, this variant has been classified as Pathogenic.

Literature cited by the submitters: PubMed 26083206.

NM_004946.3(DOCK2):c.1847del (p.Gly616fs)

Gene: DOCK2 (dedicator of cytokinesis 2; plus strand). Cytogenetic location: 5q35.1.
Variant type: Deletion.
Coding change: c.1847del on transcript NM_004946.3 (MANE Select); coding-DNA position 1847, one base deleted (G; older notation c.1847delG).
Protein change: p.Gly616fs; shifts the reading frame from glycine 616.
Molecular consequence: frameshift variant. On other transcripts: non-coding transcript variant (1).
Genome position (GRCh38, 1-based): chr5:169,714,363, G deleted; the last of 3 consecutive G bases (chr5:169,714,361-169,714,363); deleting any one gives the same sequence. VCF-style (leftmost placement, unchanged base first): chr5-169714360-TG-T. GRCh37 (hg19) VCF-style: chr5-169141364-TG-T.
Other names: short protein forms G616fs.
Identifiers: ClinVar variation 2154774 (VCV002154774.1), dbSNP rs2532626798, ClinGen allele CA2580074057.